The following is an entry in ClinVar:

NM_001017989.3(OPA3):c.503C>A (p.Pro168Gln)

Genes: OPA3-RTN2 (OPA3-RTN2 readthrough; minus strand), OPA3 (outer mitochondrial membrane lipid metabolism regulator OPA3; minus strand). Cytogenetic location: 19q13.32.
Variant type: single nucleotide variant.
Coding change: c.503C>A on transcript NM_001017989.3; coding-DNA position 503, C replaced by A.
Protein change: p.Pro168Gln; replaces proline 168 with glutamine.
Molecular consequence: missense variant.
Genome position (GRCh38, 1-based): chr19:45,529,096, G>T on the plus strand (C>A on the coding strand, the complement: OPA3 is on the minus strand). VCF-style: chr19-45529096-G-T. GRCh37 (hg19) VCF-style: chr19-46032354-G-T.
Other names: short protein forms P168Q.
Identifiers: ClinVar variation 4813269 (VCV004813269.1).

ClinVar aggregate classification (germline): Uncertain significance (1 of 4 stars; one submission).

gnomAD v4.1: 34 of 1,599,776 alleles (0.0021%); highest among the groups gnomAD compares: Admixed American, 0.042%; no homozygotes.

Submission:

GeneDx
Classification: Uncertain significance. Last evaluated: 2025-09-09. Review status: criteria provided, single submitter. Criteria: GeneDx Variant Classification Process June 2021. Collection method: clinical testing. Allele origin: germline. Affected: yes.
Comment: In silico analysis suggests that this missense variant does not alter protein structure/function; Has not been previously published as pathogenic or benign to our knowledge; Reported using an alternate transcript of the gene